The following is an entry in ClinVar:

NM_138927.4(SON):c.3012T>C (p.Ala1004=)

Gene: SON (SON DNA and RNA binding protein; plus strand). Cytogenetic location: 21q22.11.
Variant type: single nucleotide variant.
Coding change: c.3012T>C on transcript NM_138927.4 (MANE Select); coding-DNA position 3012, T replaced by C.
Protein change: p.Ala1004=; no amino-acid change (alanine 1004 retained).
Molecular consequence: synonymous variant. On other transcripts: non-coding transcript variant (1), intron variant (1).
Genome position (GRCh38, 1-based): chr21:33,552,243, T>C. VCF-style: chr21-33552243-T-C. GRCh37 (hg19) VCF-style: chr21-34924549-T-C.
Other names: c.3012T>C, p.Ala1004= (NM_001291411.2, NM_032195.3); c.245-4913T>C (NM_001291412.3).
Identifiers: ClinVar variation 708850 (VCV000708850.37), dbSNP rs148794591, ClinGen allele CA10009199.
Genomic context (GRCh38, chr21:33,552,243, plus strand): 5'-TAGGTTAGCACCTAGACCCCTGATGTTAGCATCTAGACGTTCTATGATGATGTCCTATGC[T>C]GCAGAACGTTCCATGATGTCATCTTACGAACGCTCTATGATGTCTTATGAGCGGTCTATG-3'
Protein context (NP_620305.3, residues 994-1014): ASRRSMMMSY[Ala1004=]AERSMMSSYE

ClinVar aggregate classification (germline): Benign/Likely benign. Review status: criteria provided, multiple submitters, no conflicts (2 of 4 stars). 6 submissions from 6 submitters: Benign (2); Likely benign (2). 2 of the submissions do not count toward it. Last evaluated 2026-01-26.

Allele frequency attached by ClinVar (database versions not stated): 1000 Genomes Project 30x 0.00031; 1000 Genomes Project 0.00040; gnomAD 0.00088; gnomAD exomes 0.00089 and 0.00095; ExAC 0.00100; ESP Exome Variant Server 0.00138; TOPMed 0.00146.
gnomAD v4.1: 1,480 of 1,614,182 alleles (0.092%); highest among the groups gnomAD compares: Middle Eastern, 0.38%; 2 homozygotes.

Submissions (6):

Labcorp Genetics (formerly Invitae), Labcorp
Classification: Benign. Last evaluated: 2026-01-26. Review status: criteria provided, single submitter. Criteria: Invitae Variant Classification Sherloc (09022015). Collection method: clinical testing. Allele origin: germline.

CeGaT Center for Human Genetics Tuebingen
Classification: Likely benign. Last evaluated: 2025-11-01. Review status: criteria provided, single submitter. Criteria: CeGaT Center For Human Genetics Tuebingen Variant Classification Criteria Version 2. Collection method: clinical testing. Allele origin: germline. Affected: yes. Observed: 13 variant alleles.
Comment: SON: BP4, BP7

Blueprint Genetics
Classification: Likely benign. Last evaluated: 2024-11-07. Review status: criteria provided, single submitter. Criteria: ACMG Guidelines, 2015. Collection method: clinical testing. Allele origin: germline.

Breakthrough Genomics
Classification: Benign. Review status: criteria provided, single submitter. Criteria: ACMG Guidelines, 2015. Collection method: not provided. Allele origin: germline. Inheritance: Autosomal dominant inheritance. Affected: yes.

Clinical Genetics DNA and cytogenetics Diagnostics Lab, Erasmus MC, Erasmus Medical Center
Classification: Likely benign. Review status: no assertion criteria provided. Collection method: clinical testing. Allele origin: germline. Affected: yes. Study: VKGL Data-share Consensus. Not counted in ClinVar's aggregate classification.

Genome Diagnostics Laboratory, University Medical Center Utrecht
Classification: Likely benign. Review status: no assertion criteria provided. Collection method: clinical testing. Allele origin: germline. Affected: yes. Study: VKGL Data-share Consensus. Not counted in ClinVar's aggregate classification.